The following is an entry in ClinVar:

ClinVar aggregate classification (germline): Benign/Likely benign. Review status: criteria provided, multiple submitters, no conflicts (2 of 4 stars). 2 submissions from 2 submitters: Benign (1); Likely benign (1). Last evaluated 2026-01-01.

Allele frequency attached by ClinVar (database versions not stated): gnomAD exomes below 0.00001 and 0.00002; gnomAD 0.00001; TOPMed 0.00001; ExAC 0.00004; ESP Exome Variant Server 0.00008.
gnomAD v4.1: 7 of 1,613,796 alleles (0.00043%); highest among the groups gnomAD compares: Non-Finnish European, 0.00051%; no homozygotes.

Submissions (2):

CeGaT Center for Human Genetics Tuebingen
Classification: Likely benign. Last evaluated: 2026-01-01. Review status: criteria provided, single submitter. Criteria: CeGaT Center For Human Genetics Tuebingen Variant Classification Criteria Version 2. Collection method: clinical testing. Allele origin: germline. Affected: yes. Observed: 1 variant allele.
Comment: CHD7: BP4

Genetic Services Laboratory, University of Chicago
Classification: Benign. Last evaluated: 2013-02-08. Review status: criteria provided, single submitter. Criteria: ACMG Guidelines, 2007. Collection method: clinical testing. Allele origin: germline. Inheritance: Autosomal dominant inheritance.

NM_017780.4(CHD7):c.350G>A (p.Gly117Asp)

Gene: CHD7 (chromodomain helicase DNA binding protein 7; plus strand). Cytogenetic location: 8q12.2.
Variant type: single nucleotide variant.
Coding change: c.350G>A on transcript NM_017780.4 (MANE Select); coding-DNA position 350, G replaced by A.
Protein change: p.Gly117Asp; replaces glycine 117 with aspartic acid.
Molecular consequence: missense variant.
Genome position (GRCh38, 1-based): chr8:60,741,782, G>A. VCF-style: chr8-60741782-G-A. GRCh37 (hg19) VCF-style: chr8-61654341-G-A.
Other names: c.350G>A (LRG_176t1); c.350G>A, p.Gly117Asp (NM_001316690.1); short protein forms G117D.
Identifiers: ClinVar variation 158291 (VCV000158291.10), dbSNP rs372110761, ClinGen allele CA171751.